The following is an entry in ClinVar:

NM_005228.5(EGFR):c.584C>T (p.Pro195Leu)

Gene: EGFR (epidermal growth factor receptor; plus strand). Cytogenetic location: 7p11.2.
Variant type: single nucleotide variant.
Coding change: c.584C>T on transcript NM_005228.5 (MANE Select); coding-DNA position 584, C replaced by T.
Protein change: p.Pro195Leu; replaces proline 195 with leucine.
Molecular consequence: missense variant. On other transcripts: intron variant (1).
Genome position (GRCh38, 1-based): chr7:55,151,318, C>T. VCF-style: chr7-55151318-C-T. GRCh37 (hg19) VCF-style: chr7-55219011-C-T.
Other names: c.449C>T, p.Pro150Leu (NM_001346897.2, NM_001346899.2); c.584C>T, p.Pro195Leu (NM_001346898.2, NM_201282.2, NM_201283.2 and 1 more transcripts); c.425C>T, p.Pro142Leu (NM_001346900.2); c.89-4512C>T (NM_001346941.2); short protein forms P142L, P150L, P195L.
Identifiers: ClinVar variation 1926415 (VCV001926415.6), dbSNP rs2128932514, ClinGen allele CA367576839.

ClinVar aggregate classification (germline): Uncertain significance. Review status: criteria provided, multiple submitters, no conflicts (2 of 4 stars). 2 submissions from 2 submitters: Uncertain significance (2). Last evaluated 2025-06-09.

Conditions:
EGFR-related lung cancer (EGFR). Identifiers: MedGen CN130014.
Hereditary cancer-predisposing syndrome. Also called: Hereditary Cancer Syndrome; Hereditary neoplastic syndrome; Neoplastic Syndromes, Hereditary; Tumor predisposition. Identifiers: Orphanet 140162, MedGen C0027672, MeSH D009386, MONDO:0015356.

gnomAD v4.1: 1 of 1,614,132 alleles (0.000062%); highest among the groups gnomAD compares: Non-Finnish European, 0.000085%; no homozygotes.

Submissions (2):

Ambry Genetics
Classification: Uncertain significance for Hereditary cancer-predisposing syndrome. Last evaluated: 2025-06-09. Review status: criteria provided, single submitter. Criteria: Ambry Variant Classification Scheme 2023. Collection method: clinical testing. Allele origin: germline.
Comment: The p.P195L variant (also known as c.584C>T), located in coding exon 5 of the EGFR gene, results from a C to T substitution at nucleotide position 584. The proline at codon 195 is replaced by leucine, an amino acid with similar properties. This amino acid position is not well conserved in available vertebrate species. In addition, this alteration is predicted to be tolerated by in silico analysis. Based on the available evidence, the clinical significance of this variant remains unclear.

Labcorp Genetics (formerly Invitae), Labcorp
Classification: Uncertain significance for EGFR-related lung cancer. Last evaluated: 2023-11-10. Review status: criteria provided, single submitter. Criteria: Invitae Variant Classification Sherloc (09022015). Collection method: clinical testing. Allele origin: germline.
Comment: This sequence change replaces proline, which is neutral and non-polar, with leucine, which is neutral and non-polar, at codon 195 of the EGFR protein (p.Pro195Leu). This variant is not present in population databases (gnomAD no frequency). This variant has not been reported in the literature in individuals affected with EGFR-related conditions. ClinVar contains an entry for this variant (Variation ID: 1926415). Algorithms developed to predict the effect of missense changes on protein structure and function output the following: SIFT: "Not Available"; PolyPhen-2: "Benign"; Align-GVGD: "Not Available". The leucine amino acid residue is found in multiple mammalian species, which suggests that this missense change does not adversely affect protein function. In summary, the available evidence is currently insufficient to determine the role of this variant in disease. Therefore, it has been classified as a Variant of Uncertain Significance.